The following is an entry in ClinVar:

NM_000064.4(C3):c.1569C>T (p.Thr523=)

Gene: C3 (complement C3; minus strand). Cytogenetic location: 19p13.3.
Variant type: single nucleotide variant.
Coding change: c.1569C>T on transcript NM_000064.4 (MANE Select); coding-DNA position 1569, C replaced by T.
Protein change: p.Thr523=; no amino-acid change (threonine 523 retained).
Molecular consequence: synonymous variant.
Genome position (GRCh38, 1-based): chr19:6,710,756, G>A on the plus strand (C>T on the coding strand, the complement: C3 is on the minus strand). VCF-style: chr19-6710756-G-A. GRCh37 (hg19) VCF-style: chr19-6710767-G-A.
Identifiers: ClinVar variation 2649144 (VCV002649144.24), dbSNP rs775393829, ClinGen allele CA9129403.

ClinVar aggregate classification (germline): Likely benign (1 of 4 stars; one submission).

Allele frequency attached by ClinVar (database versions not stated): TOPMed below 0.00001; gnomAD 0.00001; gnomAD exomes 0.00001; ExAC 0.00002.
gnomAD v4.1: 9 of 1,613,778 alleles (0.00056%); highest among the groups gnomAD compares: South Asian, 0.0011%; no homozygotes.

Submission:

CeGaT Center for Human Genetics Tuebingen
Classification: Likely benign. Last evaluated: 2023-03-01. Review status: criteria provided, single submitter. Criteria: CeGaT Center For Human Genetics Tuebingen Variant Classification Criteria Version 2. Collection method: clinical testing. Allele origin: germline. Affected: yes. Observed: 1 variant allele.
Comment: C3: BP4, BP7